The following is an entry in ClinVar:

ClinVar aggregate classification (germline): Uncertain significance (1 of 4 stars; one submission).

Conditions:
Progressive sclerosing poliodystrophy (MTDPS4A). Also called: ALPERS PROGRESSIVE INFANTILE POLIODYSTROPHY; Mitochondrial DNA depletion syndrome 4A (Alpers type); ALPERS DIFFUSE DEGENERATION OF CEREBRAL GRAY MATTER WITH HEPATIC CIRRHOSIS; Alpers-Huttenlocher Syndrome; Alpers-Huttenlocher Syndrome (AHS); Alpers Syndrome. Identifiers: Orphanet 726, MedGen C0205710, MONDO:0008758, OMIM 203700.

Allele frequency attached by ClinVar (database versions not stated): gnomAD exomes 0.00002; ExAC 0.00003.
gnomAD v4.1: 12 of 1,609,966 alleles (0.00075%); highest among the groups gnomAD compares: South Asian, 0.013%; no homozygotes.

Submission:

Labcorp Genetics (formerly Invitae), Labcorp
Classification: Uncertain significance for Progressive sclerosing poliodystrophy. Last evaluated: 2021-08-28. Review status: criteria provided, single submitter. Criteria: Invitae Variant Classification Sherloc (09022015). Collection method: clinical testing. Allele origin: germline.
Comment: This sequence change replaces glutamine with lysine at codon 60 of the POLG protein (p.Gln60Lys). The glutamine residue is weakly conserved and there is a small physicochemical difference between glutamine and lysine. This variant is present in population databases (rs780379693, ExAC 0.02%). This variant has not been reported in the literature in individuals affected with POLG-related conditions. Algorithms developed to predict the effect of missense changes on protein structure and function (SIFT, PolyPhen-2, Align-GVGD) all suggest that this variant is likely to be tolerated. In summary, the available evidence is currently insufficient to determine the role of this variant in disease. Therefore, it has been classified as a Variant of Uncertain Significance.

NM_002693.3(POLG):c.178C>A (p.Gln60Lys)

Genes: POLG (DNA polymerase gamma, catalytic subunit; minus strand), POLGARF (POLG alternative reading frame; minus strand). Cytogenetic location: 15q26.1.
Variant type: single nucleotide variant.
Coding change: c.178C>A on transcript NM_002693.3 (MANE Select); coding-DNA position 178, C replaced by A.
Protein change: p.Gln60Lys; replaces glutamine 60 with lysine.
Molecular consequence: missense variant.
Genome position (GRCh38, 1-based): chr15:89,333,577, G>T on the plus strand (C>A on the coding strand, the complement: POLG is on the minus strand). VCF-style: chr15-89333577-G-T. GRCh37 (hg19) VCF-style: chr15-89876808-G-T.
Other names: c.178C>A, p.Gln60Lys (NM_001126131.2); short protein forms Q60K.
Identifiers: ClinVar variation 962094 (VCV000962094.7), dbSNP rs780379693, ClinGen allele CA7725167.
Genomic context (GRCh38, chr15:89,333,577, plus strand): 5'-AGAGCATCTGGATGTCCAATGGGTTGTGCCGCAGCTGCCCGCCCTCCGAGGATAGCACTT[G>T]CGGCTGCTGAGGCTGCTGTTGCTGCTGCTGCTGCTGCTGCTGCTGCTGCTGCCGCCGCCG-3'
Protein context (NP_002684.1, residues 50-70): QQQQQQPQQP[Gln60Lys]VLSSEGGQLR